The following is an entry in ClinVar:

NM_001148.6(ANK2):c.5599T>G (p.Ser1867Ala)

Genes: ANK2 (ankyrin 2; plus strand), LOC126807136 (MED14-independent group 3 enhancer GRCh37_chr4:114274931-114276130; plus strand). Cytogenetic location: 4q26.
Variant type: single nucleotide variant.
Coding change: c.5599T>G on transcript NM_001148.6 (MANE Select); coding-DNA position 5599, T replaced by G.
Protein change: p.Ser1867Ala; replaces serine 1867 with alanine.
Molecular consequence: missense variant. On other transcripts: intron variant (68).
Genome position (GRCh38, 1-based): chr4:113,354,217, T>G. VCF-style: chr4-113354217-T-G. GRCh37 (hg19) VCF-style: chr4-114275373-T-G.
Other names: c.5365T>G, p.Ser1789Ala (NM_001386142.1); c.1999T>G, p.Ser667Ala (NM_001386166.1); c.5740T>G, p.Ser1914Ala (NM_001386174.1); c.5716T>G, p.Ser1906Ala (NM_001386175.1); c.4411+3968T>G (NM_001386186.2, NM_001386148.2); c.4213+3968T>G (NM_001354269.3); c.4291+3968T>G (NM_001386187.2); c.4252+3968T>G (NM_001386147.1); and 35 more; short protein forms S1867A, S1789A, S1906A, S1914A, S667A.
Identifiers: ClinVar variation 457044 (VCV000457044.6), dbSNP rs771441107, ClinGen allele CA3051261.

ClinVar aggregate classification (germline): Uncertain significance. Review status: criteria provided, multiple submitters, no conflicts (2 of 4 stars). 2 submissions from 2 submitters: Uncertain significance (2). Last evaluated 2024-03-04.

Conditions:
Long QT syndrome (LQTS). Identifiers: MedGen C0023976, MeSH D008133, MONDO:0002442. Disease mechanism: loss of function. Inheritance: Various modes of inheritance.
Cardiac arrhythmia, ankyrin-B-related. Also called: ANKYRIN-B SYNDROME. Identifiers: Orphanet 101016, Orphanet 768, MedGen C1970119, MONDO:0010958, OMIM 600919.

Allele frequency attached by ClinVar (database versions not stated): gnomAD exomes below 0.00001; ExAC 0.00001; gnomAD 0.00001.
gnomAD v4.1: 3 of 1,613,476 alleles (0.00019%); highest among the groups gnomAD compares: Non-Finnish European, 0.00025%; no homozygotes.

Submissions (2):

Labcorp Genetics (formerly Invitae), Labcorp
Classification: Uncertain significance for Long QT syndrome. Last evaluated: 2024-03-04. Review status: criteria provided, single submitter. Criteria: Invitae Variant Classification Sherloc (09022015). Collection method: clinical testing. Allele origin: germline.
Comment: This sequence change replaces serine, which is neutral and polar, with alanine, which is neutral and non-polar, at codon 1867 of the ANK2 protein (p.Ser1867Ala). This variant is present in population databases (rs771441107, gnomAD 0.002%). This variant has not been reported in the literature in individuals affected with ANK2-related conditions. ClinVar contains an entry for this variant (Variation ID: 457044). Algorithms developed to predict the effect of missense changes on protein structure and function output the following: SIFT: "Not Available"; PolyPhen-2: "Benign"; Align-GVGD: "Not Available". The alanine amino acid residue is found in multiple mammalian species, which suggests that this missense change does not adversely affect protein function. In summary, the available evidence is currently insufficient to determine the role of this variant in disease. Therefore, it has been classified as a Variant of Uncertain Significance.

Fulgent Genetics
Classification: Uncertain significance for Cardiac arrhythmia, ankyrin-B-related. Last evaluated: 2021-12-06. Review status: criteria provided, single submitter. Criteria: ACMG Guidelines, 2015. Collection method: clinical testing. Allele origin: unknown.